The following is an entry in ClinVar:

NM_001687.5(ATP5F1D):c.218A>C (p.His73Pro)

Gene: ATP5F1D (ATP synthase F1 subunit delta; plus strand). Cytogenetic location: 19p13.3.
Variant type: single nucleotide variant.
Coding change: c.218A>C on transcript NM_001687.5 (MANE Select); coding-DNA position 218, A replaced by C.
Protein change: p.His73Pro; replaces histidine 73 with proline.
Molecular consequence: missense variant.
Genome position (GRCh38, 1-based): chr19:1,242,532, A>C. VCF-style: chr19-1242532-A-C. GRCh37 (hg19) VCF-style: chr19-1242531-A-C.
Other names: c.218A>C, p.His73Pro (NM_001001975.2); short protein forms H73P.
Identifiers: ClinVar variation 2983501 (VCV002983501.3), dbSNP rs2512988662, ClinGen allele CA402980312.

ClinVar aggregate classification (germline): Uncertain significance (1 of 4 stars; one submission).

Allele frequency attached by ClinVar (database versions not stated): gnomAD exomes 0.00001.

Submission:

Labcorp Genetics (formerly Invitae), Labcorp
Classification: Uncertain significance. Last evaluated: 2023-12-27. Review status: criteria provided, single submitter. Criteria: Invitae Variant Classification Sherloc (09022015). Collection method: clinical testing. Allele origin: germline.
Comment: This sequence change replaces histidine, which is basic and polar, with proline, which is neutral and non-polar, at codon 73 of the ATP5D protein (p.His73Pro). This variant is not present in population databases (gnomAD no frequency). This variant has not been reported in the literature in individuals affected with ATP5D-related conditions. An algorithm developed to predict the effect of missense changes on protein structure and function (PolyPhen-2) suggests that this variant is likely to be disruptive. In summary, the available evidence is currently insufficient to determine the role of this variant in disease. Therefore, it has been classified as a Variant of Uncertain Significance.